The following is an entry in ClinVar:

ClinVar aggregate classification (germline): Conflicting classifications of pathogenicity. Review status: criteria provided, conflicting classifications (1 of 4 stars). 5 submissions from 5 submitters: Uncertain significance (4); Likely benign (1). Last evaluated 2025-06-29.

Conditions:
Bethlem myopathy 1A. Also called: Bethlem myopathy 1; Bethlem Muscular Dystrophy; MYOPATHY, BENIGN CONGENITAL, WITH CONTRACTURES. Identifiers: Orphanet 610, MedGen CN029274, MONDO:0024530, OMIM 158810.

Allele frequency attached by ClinVar (database versions not stated): TOPMed 0.00003; gnomAD 0.00004 and 0.00005; ESP Exome Variant Server 0.00008; gnomAD exomes 0.00008 and 0.00009; ExAC 0.00013.
gnomAD v4.1: 123 of 1,614,118 alleles (0.0076%); highest among the groups gnomAD compares: Non-Finnish European, 0.0091%; no homozygotes.

Submissions (5):

GeneDx
Classification: Uncertain significance. Last evaluated: 2025-06-29. Review status: criteria provided, single submitter. Criteria: GeneDx Variant Classification Process June 2021. Collection method: clinical testing. Allele origin: germline. Affected: yes.
Comment: Reported in the published literature in association with limb girdle muscular dystrophy (PMID: 30564623); In silico analysis suggests that this missense variant does not alter protein structure/function; This variant is associated with the following publications: (PMID: 30564623)

Labcorp Genetics (formerly Invitae), Labcorp
Classification: Likely benign for Bethlem myopathy 1A. Last evaluated: 2025-02-11. Review status: criteria provided, single submitter. Criteria: Invitae Variant Classification Sherloc (09022015). Collection method: clinical testing. Allele origin: germline.

Blueprint Genetics
Classification: Uncertain significance. Last evaluated: 2023-02-15. Review status: criteria provided, single submitter. Criteria: ACMG Guidelines, 2015. Collection method: clinical testing. Allele origin: germline.

Revvity Omics, Revvity
Classification: Uncertain significance. Last evaluated: 2020-05-26. Review status: criteria provided, single submitter. Criteria: ACMG Guidelines, 2015. Collection method: clinical testing. Allele origin: germline.

Eurofins Ntd Llc (ga)
Classification: Uncertain significance. Last evaluated: 2015-12-10. Review status: criteria provided, single submitter. Criteria: EGL Classification Definitions 2015. Collection method: clinical testing. Allele origin: germline. Observed: 2 variant alleles, 2 heterozygotes.

NM_004369.4(COL6A3):c.5680C>T (p.Pro1894Ser)

Gene: COL6A3 (collagen type VI alpha 3 chain; minus strand). Cytogenetic location: 2q37.3.
Variant type: single nucleotide variant.
Coding change: c.5680C>T on transcript NM_004369.4 (MANE Select); coding-DNA position 5680, C replaced by T.
Protein change: p.Pro1894Ser; replaces proline 1894 with serine.
Molecular consequence: missense variant.
Genome position (GRCh38, 1-based): chr2:237,365,856, G>A on the plus strand (C>T on the coding strand, the complement: COL6A3 is on the minus strand). VCF-style: chr2-237365856-G-A. GRCh37 (hg19) VCF-style: chr2-238274499-G-A.
Other names: c.3859C>T, p.Pro1287Ser (NM_057166.5); c.5062C>T, p.Pro1688Ser (NM_057167.4); short protein forms P1894S, P1688S, P1287S.
Identifiers: ClinVar variation 285147 (VCV000285147.19), dbSNP rs112540218, ClinGen allele CA2188606.